The following is an entry in ClinVar:

ClinVar aggregate classification (germline): Uncertain significance (1 of 4 stars; one submission).

Conditions:
Cardiomyopathy (CMYO). Also called: Cardiomyopathies. Identifiers: Orphanet 167848, MedGen C0878544, MONDO:0004994, HP:0001638. Inheritance: Various modes of inheritance.

Submission:

Color Diagnostics, LLC DBA Color Health
Classification: Uncertain significance for Cardiomyopathy. Last evaluated: 2020-11-10. Review status: criteria provided, single submitter. Criteria: ACMG Guidelines, 2015. Collection method: clinical testing. Allele origin: germline.
Comment: This variant causes a deletion of three nucleotides in intron 83 of the RYR2 gene. To our knowledge, functional studies have not been reported for this variant. This variant has not been reported in individuals affected with cardiovascular disorders in the literature. This variant has not been identified in the general population by the Genome Aggregation Database (gnomAD). The available evidence is insufficient to determine the role of this variant in disease conclusively. Therefore, this variant is classified as a Variant of Uncertain Significance.

NM_001035.3(RYR2):c.11403-10_11403-8del

Gene: RYR2 (ryanodine receptor 2; plus strand). Cytogenetic location: 1q43.
Variant type: Deletion.
Coding change: c.11403-10_11403-8del on transcript NM_001035.3 (MANE Select); 10 bases into the intron before coding-DNA position 11403 through 8 bases into the intron before coding-DNA position 11403, 3 bases deleted (GTT; older notation c.11403-10_11403-8delGTT).
Molecular consequence: intron variant.
Genome position (GRCh38, 1-based): chr1:237,760,945-237,760,947, GTT deleted; deleting any 3 consecutive bases within chr1:237,760,943-237,760,947 gives the same sequence; the c. name uses the placement nearest the transcript's 3' end. VCF-style (leftmost placement, unchanged base first): chr1-237760942-CTTG-C. GRCh37 (hg19) VCF-style: chr1-237924242-CTTG-C.
Identifiers: ClinVar variation 1172413 (VCV001172413.2), dbSNP rs2149276934, ClinGen allele CA2499214597.
Genomic context (GRCh38, chr1:237,760,942, plus strand): 5'-GATGTTTGCTCTCCTGAGCAAAGAAAATGTTCTATTAGTCCTCTAAATGTTTTTTTTTCC[CTTG>C]TTATTATAGTGTCCTTGACCTAAATGCATTTGAGCGACAAAACAAAGCTGAAGGTCTTGG-3'